The following is an entry in ClinVar:

ClinVar aggregate classification (germline): Likely benign (0 of 4 stars; one submission).

Conditions:
SLC12A5-related disorder. Also called: SLC12A5-related condition.

Allele frequency attached by ClinVar (database versions not stated): TOPMed below 0.00001; gnomAD 0.00001.
gnomAD v4.1: 1 of 1,610,638 alleles (0.000062%); highest among the groups gnomAD compares: Non-Finnish European, 0.000085%; no homozygotes.

Submission:

PreventionGenetics, part of Exact Sciences
Classification: Likely benign for SLC12A5-related condition. Last evaluated: 2019-05-23. Review status: no assertion criteria provided. Collection method: clinical testing. Allele origin: germline.
Comment: This variant is classified as likely benign based on ACMG/AMP sequence variant interpretation guidelines (Richards et al. 2015 PMID: 25741868, with internal and published modifications).

NM_020708.5(SLC12A5):c.*2A>T

Genes: SLC12A5 (solute carrier family 12 member 5; plus strand), LOC113960611 (Sharpr-MPRA regulatory region 3425; plus strand). Cytogenetic location: 20q13.12.
Variant type: single nucleotide variant.
Coding change: c.*2A>T on transcript NM_020708.5 (MANE Select); 2 bases downstream of the stop codon, A replaced by T.
Molecular consequence: 3 prime UTR variant.
Genome position (GRCh38, 1-based): chr20:46,057,607, A>T. VCF-style: chr20-46057607-A-T. GRCh37 (hg19) VCF-style: chr20-44686246-A-T.
Other names: c.*2A>T (NM_001134771.2).
Identifiers: ClinVar variation 3039637 (VCV003039637.2), dbSNP rs1312388131, ClinGen allele CA744869563.